The following is an entry in ClinVar:

NM_015267.4(CUX2):c.3304C>G (p.Pro1102Ala)

Gene: CUX2 (cut like homeobox 2; plus strand). Cytogenetic location: 12q24.12.
Variant type: single nucleotide variant.
Coding change: c.3304C>G on transcript NM_015267.4 (MANE Select); coding-DNA position 3304, C replaced by G.
Protein change: p.Pro1102Ala; replaces proline 1102 with alanine.
Molecular consequence: missense variant.
Genome position (GRCh38, 1-based): chr12:111,338,393, C>G. VCF-style: chr12-111338393-C-G. GRCh37 (hg19) VCF-style: chr12-111776197-C-G.
Other names: c.3118C>G, p.Pro1040Ala (NM_001370598.1); short protein forms P1040A, P1102A.
Identifiers: ClinVar variation 3368019 (VCV003368019.1).

ClinVar aggregate classification (germline): Uncertain significance (1 of 4 stars; one submission).

gnomAD v4.1: 2 of 1,614,136 alleles (0.00012%); highest among the groups gnomAD compares: Non-Finnish European, 0.00017%; no homozygotes.

Submission:

GeneDx
Classification: Uncertain significance. Last evaluated: 2024-01-23. Review status: criteria provided, single submitter. Criteria: GeneDx Variant Classification Process June 2021. Collection method: clinical testing. Allele origin: germline. Affected: yes.
Comment: In silico analysis supports that this missense variant has a deleterious effect on protein structure/function; Has not been previously published as pathogenic or benign to our knowledge